The following is an entry in ClinVar:

NM_000091.5(COL4A3):c.4049C>T (p.Thr1350Ile)

Genes: COL4A3 (collagen type IV alpha 3 chain; plus strand), MFF-DT (MFF divergent transcript; minus strand). Cytogenetic location: 2q36.3.
Variant type: single nucleotide variant.
Coding change: c.4049C>T on transcript NM_000091.5 (MANE Select); coding-DNA position 4049, C replaced by T.
Protein change: p.Thr1350Ile; replaces threonine 1350 with isoleucine.
Molecular consequence: missense variant.
Genome position (GRCh38, 1-based): chr2:227,304,040, C>T. VCF-style: chr2-227304040-C-T. GRCh37 (hg19) VCF-style: chr2-228168756-C-T.
Other names: short protein forms T1350I.
Identifiers: ClinVar variation 1385043 (VCV001385043.6), dbSNP rs2106270706, ClinGen allele CA350862750.

ClinVar aggregate classification (germline): Uncertain significance (1 of 4 stars; one submission).

Allele frequency attached by ClinVar (database versions not stated): gnomAD exomes below 0.00001.
gnomAD v4.1: 2 of 1,614,186 alleles (0.00012%); highest among the groups gnomAD compares: South Asian, 0.0011%; no homozygotes.

Submission:

Labcorp Genetics (formerly Invitae), Labcorp
Classification: Uncertain significance. Last evaluated: 2022-08-09. Review status: criteria provided, single submitter. Criteria: Invitae Variant Classification Sherloc (09022015). Collection method: clinical testing. Allele origin: germline.
Comment: Advanced modeling of protein sequence and biophysical properties (such as structural, functional, and spatial information, amino acid conservation, physicochemical variation, residue mobility, and thermodynamic stability) performed at Invitae indicates that this missense variant is not expected to disrupt COL4A3 protein function. In summary, the available evidence is currently insufficient to determine the role of this variant in disease. Therefore, it has been classified as a Variant of Uncertain Significance. This sequence change replaces threonine, which is neutral and polar, with isoleucine, which is neutral and non-polar, at codon 1350 of the COL4A3 protein (p.Thr1350Ile). This variant is not present in population databases (gnomAD no frequency). This variant has not been reported in the literature in individuals affected with COL4A3-related conditions. ClinVar contains an entry for this variant (Variation ID: 1385043).